The following is an entry in ClinVar:

ClinVar aggregate classification (germline): Uncertain significance (1 of 4 stars; one submission).

Submission:

Labcorp Genetics (formerly Invitae), Labcorp
Classification: Uncertain significance. Last evaluated: 2025-08-14. Review status: criteria provided, single submitter. Criteria: Invitae Variant Classification Sherloc (09022015). Collection method: clinical testing. Allele origin: germline.
Comment: This variant, c.830_832del, results in the deletion of 1 amino acid(s) of the MYH9 protein (p.Phe277del), but otherwise preserves the integrity of the reading frame. This variant is not present in population databases (gnomAD no frequency). This variant has not been reported in the literature in individuals affected with MYH9-related conditions. Experimental studies and prediction algorithms are not available or were not evaluated, and the functional significance of this variant is currently unknown. In summary, the available evidence is currently insufficient to determine the role of this variant in disease. Therefore, it has been classified as a Variant of Uncertain Significance.

NM_002473.6(MYH9):c.827TCT[1] (p.Phe277del)

Gene: MYH9 (myosin heavy chain 9; minus strand). Cytogenetic location: 22q12.3.
Variant type: Microsatellite.
Coding change: c.827TCT[1] on transcript NM_002473.6 (MANE Select); one copy of the 3-base unit TCT starting at c.827; the reference has two copies in a row; one copy, 3 bases deleted.
Protein change: p.Phe277del; deletes phenylalanine 277.
Molecular consequence: inframe deletion.
Genome position (GRCh38, 1-based): chr22:36,320,834-36,320,836, AGA deleted on the plus strand (TCT on the coding strand, the reverse complement: MYH9 is on the minus strand); deleting any 3 consecutive bases within chr22:36,320,834-36,320,839 gives the same sequence; the position shown is the placement nearest the transcript's 3' end. VCF-style (leftmost placement, unchanged base first): chr22-36320833-TAGA-T. GRCh37 (hg19) VCF-style: chr22-36716878-TAGA-T.
Other names: short protein forms F277del.
Identifiers: ClinVar variation 4725440 (VCV004725440.1).